The following is an entry in ClinVar:

NM_005633.4(SOS1):c.283G>C (p.Glu95Gln)

Gene: SOS1 (SOS Ras/Rac guanine nucleotide exchange factor 1; minus strand). Cytogenetic location: 2p22.1.
Variant type: single nucleotide variant.
Coding change: c.283G>C on transcript NM_005633.4 (MANE Select); coding-DNA position 283, G replaced by C.
Protein change: p.Glu95Gln; replaces glutamic acid 95 with glutamine.
Molecular consequence: missense variant.
Genome position (GRCh38, 1-based): chr2:39,058,735, C>G on the plus strand (G>C on the coding strand, the complement: SOS1 is on the minus strand). VCF-style: chr2-39058735-C-G. GRCh37 (hg19) VCF-style: chr2-39285876-C-G.
Other names: c.262G>C, p.Glu88Gln (NM_001382394.1); c.283G>C, p.Glu95Gln (NM_001382395.1); short protein forms E88Q, E95Q.
Identifiers: ClinVar variation 1954414 (VCV001954414.5), dbSNP rs1558493384, ClinGen allele CA346373913.

ClinVar aggregate classification (germline): Uncertain significance (1 of 4 stars; one submission).

Conditions:
RASopathy. Also called: rasopathies; Noonan spectrum disorder. Identifiers: Orphanet 536391, MedGen C5555857, MONDO:0021060.

Submission:

Labcorp Genetics (formerly Invitae), Labcorp
Classification: Uncertain significance for RASopathy. Last evaluated: 2022-07-14. Review status: criteria provided, single submitter. Criteria: Invitae Variant Classification Sherloc (09022015). Collection method: clinical testing. Allele origin: germline.
Comment: This variant is not present in population databases (gnomAD no frequency). In summary, the available evidence is currently insufficient to determine the role of this variant in disease. Therefore, it has been classified as a Variant of Uncertain Significance. Advanced modeling of protein sequence and biophysical properties (such as structural, functional, and spatial information, amino acid conservation, physicochemical variation, residue mobility, and thermodynamic stability) performed at Invitae indicates that this missense variant is expected to disrupt SOS1 protein function. This variant has not been reported in the literature in individuals affected with SOS1-related conditions. This sequence change replaces glutamic acid, which is acidic and polar, with glutamine, which is neutral and polar, at codon 95 of the SOS1 protein (p.Glu95Gln).